The following is an entry in ClinVar:

ClinVar aggregate classification (germline): Likely pathogenic (1 of 4 stars; one submission).

Submission:

GeneDx
Classification: Likely pathogenic. Last evaluated: 2017-10-30. Review status: criteria provided, single submitter. Criteria: GeneDx Variant Classification (06012015). Collection method: clinical testing. Allele origin: germline. Affected: yes.
Comment: The c.1117-35_1118dup37 variant in the COL6A2 gene has not been reported previously as a pathogenic variant nor as a benign variant, to our knowledge. The c.1117-35_1118dup37 variant results in the duplication of 37 nucleotides at the exon 13/intron 12 boundary. This variant is predicted to produce a new cryptic splice acceptor site in exon 13 and may also reduce the quality of the natural splice acceptor site in intron 12, which may cause abnormal gene splicing. The c.1117-35_1118dup37 variant is not observed in large population cohorts (Lek et al., 2016). We interpret c.1117-35_1118dup37 as a likely pathogenic variant.

NM_001849.4(COL6A2):c.1117-35_1118dup

Gene: COL6A2 (collagen type VI alpha 2 chain; plus strand). Cytogenetic location: 21q22.3.
Variant type: Duplication.
Coding change: c.1117-35_1118dup on transcript NM_001849.4 (MANE Select); 35 bases into the intron before coding-DNA position 1117 through coding-DNA position 1118, 37 bases duplicated.
Molecular consequence: splice acceptor variant.
Genome position (GRCh38, 1-based): chr21:46,118,579-46,118,615, 37 bases duplicated. GRCh37 (hg19): chr21:47,538,493-47,538,529.
Other names: c.1117-35_1118dup (NM_058175.3, NM_058174.3).
Identifiers: ClinVar variation 503780 (VCV000503780.1), dbSNP rs1555873698, ClinGen allele CA658799477.